The following is an entry in ClinVar:

NM_001375654.1(RP1):c.1205A>T (p.Glu402Val)

Gene: RP1 (RP1 axonemal microtubule associated; plus strand). Cytogenetic location: 8q12.1.
Variant type: single nucleotide variant.
Coding change: c.1205A>T on transcript NM_001375654.1; coding-DNA position 1205, A replaced by T.
Protein change: p.Glu402Val; replaces glutamic acid 402 with valine.
Molecular consequence: missense variant.
Genome position (GRCh38, 1-based): chr8:54,663,732, A>T. VCF-style: chr8-54663732-A-T. GRCh37 (hg19) VCF-style: chr8-55576292-A-T.
Other names: short protein forms E402V.
Identifiers: ClinVar variation 2658607 (VCV002658607.23), dbSNP rs58704930, ClinGen allele CA4752279.

ClinVar aggregate classification (germline): Benign/Likely benign. Review status: criteria provided, multiple submitters, no conflicts (2 of 4 stars). 2 submissions from 2 submitters: Benign (1); Likely benign (1). Last evaluated 2023-06-01.

Allele frequency attached by ClinVar (database versions not stated): gnomAD exomes 0.00036; ExAC 0.00059; gnomAD 0.00434; TOPMed 0.00479; 1000 Genomes Project 0.00579; 1000 Genomes Project 30x 0.00687.
gnomAD v4.1: 1,196 of 1,532,370 alleles (0.078%); highest among the groups gnomAD compares: African/African-American, 1.5%; 6 homozygotes.

Submissions (2):

CeGaT Center for Human Genetics Tuebingen
Classification: Benign. Last evaluated: 2023-06-01. Review status: criteria provided, single submitter. Criteria: CeGaT Center For Human Genetics Tuebingen Variant Classification Criteria Version 2. Collection method: clinical testing. Allele origin: germline. Affected: yes. Observed: 1 variant allele.
Comment: RP1: BP4, BS1, BS2

Blueprint Genetics
Classification: Likely benign. Last evaluated: 2022-11-02. Review status: criteria provided, single submitter. Criteria: ACMG Guidelines, 2015. Collection method: clinical testing. Allele origin: germline.